The following is an entry in ClinVar:

NM_006265.3(RAD21):c.1310G>A (p.Arg437His)

Gene: RAD21 (RAD21 cohesin complex component; minus strand). Cytogenetic location: 8q24.11.
Variant type: single nucleotide variant.
Coding change: c.1310G>A on transcript NM_006265.3 (MANE Select); coding-DNA position 1310, G replaced by A.
Protein change: p.Arg437His; replaces arginine 437 with histidine.
Molecular consequence: missense variant.
Genome position (GRCh38, 1-based): chr8:116,852,560, C>T on the plus strand (G>A on the coding strand, the complement: RAD21 is on the minus strand). VCF-style: chr8-116852560-C-T. GRCh37 (hg19) VCF-style: chr8-117864799-C-T.
Other names: short protein forms R437H.
Identifiers: ClinVar variation 4743594 (VCV004743594.1).

ClinVar aggregate classification (germline): Uncertain significance (1 of 4 stars; one submission).

Conditions:
Cornelia de Lange syndrome 4 (CDLS4). Also called: RAD21-Related Cornelia de Lange Syndrome; CORNELIA DE LANGE SYNDROME 4 WITH OR WITHOUT MIDLINE BRAIN DEFECTS. Identifiers: Orphanet 199, MedGen C3553517, MONDO:0013864, OMIM 614701.

gnomAD v4.1: 20 of 1,611,716 alleles (0.0012%); highest among the groups gnomAD compares: South Asian, 0.017%; no homozygotes.

Submission:

Labcorp Genetics (formerly Invitae), Labcorp
Classification: Uncertain significance for Cornelia de Lange syndrome 4. Last evaluated: 2025-10-23. Review status: criteria provided, single submitter. Criteria: Invitae Variant Classification Sherloc (09022015). Collection method: clinical testing. Allele origin: germline.
Comment: This sequence change replaces arginine, which is basic and polar, with histidine, which is basic and polar, at codon 437 of the RAD21 protein (p.Arg437His). This variant is present in population databases (rs765264685, gnomAD 0.01%). This variant has not been reported in the literature in individuals affected with RAD21-related conditions. Invitae Evidence Modeling of protein sequence and biophysical properties (such as structural, functional, and spatial information, amino acid conservation, physicochemical variation, residue mobility, and thermodynamic stability) indicates that this missense variant is not expected to disrupt RAD21 protein function with a negative predictive value of 95%. In summary, the available evidence is currently insufficient to determine the role of this variant in disease. Therefore, it has been classified as a Variant of Uncertain Significance.